The following is an entry in ClinVar:

NM_001083614.2(EARS2):c.814G>A (p.Ala272Thr)

Gene: EARS2 (glutamyl-tRNA synthetase 2, mitochondrial; minus strand). Cytogenetic location: 16p12.2.
Variant type: single nucleotide variant.
Coding change: c.814G>A on transcript NM_001083614.2 (MANE Select); coding-DNA position 814, G replaced by A.
Protein change: p.Ala272Thr; replaces alanine 272 with threonine.
Molecular consequence: missense variant. On other transcripts: non-coding transcript variant (1).
Genome position (GRCh38, 1-based): chr16:23,535,032, C>T on the plus strand (G>A on the coding strand, the complement: EARS2 is on the minus strand). VCF-style: chr16-23535032-C-T. GRCh37 (hg19) VCF-style: chr16-23546353-C-T.
Other names: c.814G>A, p.Ala272Thr (NM_001308211.1); short protein forms A272T.
Identifiers: ClinVar variation 692300 (VCV000692300.44), dbSNP rs749912939, ClinGen allele CA7962501.
Genomic context (GRCh38, chr16:23,535,032, plus strand): 5'-CGTCCCCTTGCCTCTTGGAGAGCTTGCTGCCATCCCTGTTGAGGAGCAGGGGCAGGTGGG[C>T]GAAGTGGGGTGGCTGCCAGCCCAGGGCCTGGTAGAGGAGCAGGTGCTTGGCAGTGGAGAC-3'
Protein context (NP_001077083.1, residues 262-282): QALGWQPPHF[Ala272Thr]HLPLLLNRDG

ClinVar aggregate classification (germline): Conflicting classifications of pathogenicity. Review status: criteria provided, conflicting classifications (1 of 4 stars). 5 submissions from 5 submitters: Likely pathogenic (4); Uncertain significance (1). Last evaluated 2025-11-03.

Conditions:
Mitochondrial disease. Also called: Mitochondrial disorders; Mitochondrial disorder. Identifiers: Orphanet 68380, MedGen C0751651, MeSH D028361, MONDO:0044970.
Arthrogryposis multiplex congenita (AMC). Also called: Congenital multiple arthrogryposis; Fibrous ankylosis of multiple joints; Congenital arthromyodysplasia; Myodystrophia fetalis deformans; Otto syndrome; Rocher-Sheldon syndrome. Identifiers: Orphanet 1037, MedGen C5779613, MeSH D001176, MONDO:0015168, HP:0002804.
Fetal akinesia deformation sequence 1 (FADS1). Also called: Pena-Shokeir syndrome type I; Fetal akinesia sequence. Identifiers: Orphanet 994, MedGen C1276035, MONDO:0100101, OMIM 208150, HP:0001989.
EARS2-related disorder. Also called: EARS2-related disorders; EARS2-related condition.

Allele frequency attached by ClinVar (database versions not stated): gnomAD exomes 0.00004 and 0.00006; ExAC 0.00005; gnomAD 0.00007; TOPMed 0.00008.
gnomAD v4.1: 102 of 1,610,796 alleles (0.0063%); highest among the groups gnomAD compares: African/African-American, 0.0094%; no homozygotes.

Submissions (5):

GeneDx
Classification: Likely pathogenic. Last evaluated: 2025-11-03. Review status: criteria provided, single submitter. Criteria: GeneDx Variant Classification Process June 2021. Collection method: clinical testing. Allele origin: germline.
Comment: Observed with an additional EARS2 variant, phase unknown, in a patient with fetal akinesia as well as microcephaly, porencephaly and lissencephaly in published literature (PMID: 31680123); Not observed at significant frequency in large population cohorts (gnomAD); In silico analysis supports that this missense variant has a deleterious effect on protein structure/function; This variant is associated with the following publications: (PMID: 25058219, 31680123, Dikbas2025[Abstract])

Blueprint Genetics
Classification: Likely pathogenic for EARS2-related disorders. Last evaluated: 2023-12-18. Review status: criteria provided, single submitter. Criteria: ACMG Guidelines, 2015. Collection method: clinical testing. Allele origin: germline. Affected: yes. Observed: 5 variant alleles.

Department of Pathology and Laboratory Medicine, Sinai Health System
Classification: Uncertain significance for mitochondrial disease. Last evaluated: 2022-05-17. Review status: criteria provided, single submitter. Criteria: ACMG Guidelines, 2015. Collection method: research. Allele origin: germline.

CeGaT Center for Human Genetics Tuebingen
Classification: Likely pathogenic. Last evaluated: 2021-05-01. Review status: criteria provided, single submitter. Criteria: CeGaT Center For Human Genetics Tuebingen Variant Classification Criteria Version 2. Collection method: clinical testing. Allele origin: germline. Affected: yes. Observed: 2 variant alleles.

Cirak Lab, University Hospital Cologne
Classification: Likely pathogenic for Arthrogryposis multiplex congenita; Fetal akinesia sequence. Last evaluated: 2019-06-28. Review status: criteria provided, single submitter. Criteria: ACMG Guidelines, 2015. Collection method: research. Allele origin: unknown. Affected: yes. Observed: 1 variant allele.

Literature cited by the submitters: PubMed 31680123 (cited by Cirak Lab, University Hospital Cologne).